The following is an entry in ClinVar:

ClinVar aggregate classification (germline): Uncertain significance (1 of 4 stars; one submission).

Allele frequency attached by ClinVar (database versions not stated): gnomAD exomes 0.00001 and 0.00002; ExAC 0.00002; gnomAD 0.00002 and 0.00003; TOPMed 0.00002.
gnomAD v4.1: 38 of 1,614,084 alleles (0.0024%); highest among the groups gnomAD compares: African/African-American, 0.0053%; no homozygotes.

Submission:

Labcorp Genetics (formerly Invitae), Labcorp
Classification: Uncertain significance. Last evaluated: 2021-06-08. Review status: criteria provided, single submitter. Criteria: Invitae Variant Classification Sherloc (09022015). Collection method: clinical testing. Allele origin: germline.
Comment: This variant is present in population databases (rs748102152, ExAC 0.02%). This sequence change replaces phenylalanine with serine at codon 13 of the EXOSC9 protein (p.Phe13Ser). The phenylalanine residue is highly conserved and there is a large physicochemical difference between phenylalanine and serine. This variant has not been reported in the literature in individuals with EXOSC9-related conditions. Algorithms developed to predict the effect of missense changes on protein structure and function are either unavailable or do not agree on the potential impact of this missense change (SIFT: "Deleterious"; PolyPhen-2: "Probably Damaging"; Align-GVGD: "Class C0"). In summary, the available evidence is currently insufficient to determine the role of this variant in disease. Therefore, it has been classified as a Variant of Uncertain Significance.

NM_005033.3(EXOSC9):c.38T>C (p.Phe13Ser)

Gene: EXOSC9 (exosome component 9; plus strand). Cytogenetic location: 4q27.
Variant type: single nucleotide variant.
Coding change: c.38T>C on transcript NM_005033.3 (MANE Select); coding-DNA position 38, T replaced by C.
Protein change: p.Phe13Ser; replaces phenylalanine 13 with serine.
Molecular consequence: missense variant.
Genome position (GRCh38, 1-based): chr4:121,801,462, T>C. VCF-style: chr4-121801462-T-C. GRCh37 (hg19) VCF-style: chr4-122722617-T-C.
Other names: c.38T>C, p.Phe13Ser (NM_001034194.2); short protein forms F13S.
Identifiers: ClinVar variation 1482281 (VCV001482281.7), dbSNP rs748102152, ClinGen allele CA3063245.
Genomic context (GRCh38, chr4:121,801,462, plus strand): 5'-TGTGGGGCCGGTGACCCAACACCATGAAGGAAACGCCACTCTCAAACTGCGAACGCCGCT[T>C]CCTACTCCGTGCCATCGAAGAGAAGAAGGTATGGTTTGGTGCCCGCAGAATTGCGCGCTG-3'
Protein context (NP_005024.2, residues 3-23): ETPLSNCERR[Phe13Ser]LLRAIEEKKR